The following is an entry in ClinVar:

ClinVar aggregate classification (germline): Benign (0 of 4 stars; one submission).

Conditions:
CASP9-related disorder. Also called: CASP9-related condition.

Allele frequency attached by ClinVar (database versions not stated): 1000 Genomes Project 0.00379; 1000 Genomes Project 30x 0.00406; TOPMed 0.00915; gnomAD 0.01025; ExAC 0.01081; ESP Exome Variant Server 0.01092; gnomAD exomes 0.01533.
gnomAD v4.1: 23,800 of 1,614,176 alleles (1.5%); highest among the groups gnomAD compares: Non-Finnish European, 1.8%; 219 homozygotes.

Submission:

PreventionGenetics, part of Exact Sciences
Classification: Benign for CASP9-related condition. Last evaluated: 2020-02-11. Review status: no assertion criteria provided. Collection method: clinical testing. Allele origin: germline.
Comment: This variant is classified as benign based on ACMG/AMP sequence variant interpretation guidelines (Richards et al. 2015 PMID: 25741868, with internal and published modifications).

NM_001229.5(CASP9):c.305C>T (p.Thr102Ile)

Gene: CASP9 (caspase 9; minus strand). Cytogenetic location: 1p36.21.
Variant type: single nucleotide variant.
Coding change: c.305C>T on transcript NM_001229.5 (MANE Select); coding-DNA position 305, C replaced by T.
Protein change: p.Thr102Ile; replaces threonine 102 with isoleucine.
Molecular consequence: missense variant. On other transcripts: non-coding transcript variant (1).
Genome position (GRCh38, 1-based): chr1:15,518,223, G>A on the plus strand (C>T on the coding strand, the complement: CASP9 is on the minus strand). VCF-style: chr1-15518223-G-A. GRCh37 (hg19) VCF-style: chr1-15844718-G-A.
Other names: c.305C>T, p.Thr102Ile (NM_001278054.2); c.56C>T, p.Thr19Ile (NM_032996.3); short protein forms T102I, T19I.
Identifiers: ClinVar variation 3042052 (VCV003042052.2), dbSNP rs2308941, ClinGen allele CA614659.
Genomic context (GRCh38, chr1:15,518,223, plus strand): 5'-CTGAGAACCTCTGGTTTGCGAATCTCTGGTCTGAGCACCACTGGGGTAAGGTTTTCTAGG[G>A]TTGGCTTCGACAACTTTGCTGCTTGCCTGTTAGTTCGCAGAAACGAAGCCAGCATGTCCT-3'
Protein context (NP_001220.2, residues 92-112): NRQAAKLSKP[Thr102Ile]LENLTPVVLR